The following is an entry in ClinVar:

NM_024408.4(NOTCH2):c.1453+7G>C

Gene: NOTCH2 (notch receptor 2; minus strand). Cytogenetic location: 1p12.
Variant type: single nucleotide variant.
Coding change: c.1453+7G>C on transcript NM_024408.4 (MANE Select); 7 bases into the intron after coding-DNA position 1453, G replaced by C.
Molecular consequence: intron variant.
Genome position (GRCh38, 1-based): chr1:119,967,426, C>G on the plus strand (G>C on the coding strand, the complement: NOTCH2 is on the minus strand). VCF-style: chr1-119967426-C-G. GRCh37 (hg19) VCF-style: chr1-120510049-C-G.
Other names: c.1453+7G>C (NM_001200001.2, NM_024408.3).
Identifiers: ClinVar variation 1548246 (VCV001548246.10), dbSNP rs782513711, ClinGen allele CA886303662.
Genomic context (GRCh38, chr1:119,967,426, plus strand): 5'-GCTCTACCAAGAGAAGTTCAGAACAGTCCCTCCTCTCTAGACCCAACATGCTGATGGGCC[C>G]ATTTACCTGGCATGCACAGACATGTGAAGCCTCCAATCTTATCCAGACAGGTAGCATCAT-3'

ClinVar aggregate classification (germline): Likely benign. Review status: criteria provided, single submitter (1 of 4 stars). 2 submissions from 2 submitters: Likely benign (1). 1 of the submissions does not count toward it. Last evaluated 2024-10-29.

Conditions:
NOTCH2-related disorder. Also called: NOTCH2-related condition.
Hajdu-Cheney syndrome (HJCYS). Also called: ACROOSTEOLYSIS WITH OSTEOPOROSIS AND CHANGES IN SKULL AND MANDIBLE; SERPENTINE FIBULA-POLYCYSTIC KIDNEY SYNDROME; Acroosteolysis dominant type. Identifiers: Orphanet 955, MedGen C0917715, MONDO:0007057, OMIM 102500.

gnomAD v4.1: 1 of 1,613,482 alleles (0.000062%); highest among the groups gnomAD compares: Non-Finnish European, 0.000085%; no homozygotes.

Submissions (2):

Labcorp Genetics (formerly Invitae), Labcorp
Classification: Likely benign for Hajdu-Cheney syndrome. Last evaluated: 2024-10-29. Review status: criteria provided, single submitter. Criteria: Invitae Variant Classification Sherloc (09022015). Collection method: clinical testing. Allele origin: germline.

PreventionGenetics, part of Exact Sciences
Classification: Likely benign for NOTCH2-related condition. Last evaluated: 2022-06-07. Review status: no assertion criteria provided. Collection method: clinical testing. Allele origin: germline. Not counted in ClinVar's aggregate classification.
Comment: This variant is classified as likely benign based on ACMG/AMP sequence variant interpretation guidelines (Richards et al. 2015 PMID: 25741868, with internal and published modifications).